The following is an entry in ClinVar:

NM_001035.3(RYR2):c.13637G>A (p.Ser4546Asn)

Gene: RYR2 (ryanodine receptor 2; plus strand). Cytogenetic location: 1q43.
Variant type: single nucleotide variant.
Coding change: c.13637G>A on transcript NM_001035.3 (MANE Select); coding-DNA position 13637, G replaced by A.
Protein change: p.Ser4546Asn; replaces serine 4546 with asparagine.
Molecular consequence: missense variant.
Genome position (GRCh38, 1-based): chr1:237,792,178, G>A. VCF-style: chr1-237792178-G-A. GRCh37 (hg19) VCF-style: chr1-237955478-G-A.
Other names: short protein forms S4546N.
Identifiers: ClinVar variation 1770878 (VCV001770878.2), dbSNP rs746790058, ClinGen allele CA085427.

ClinVar aggregate classification (germline): Uncertain significance (1 of 4 stars; one submission).

Conditions:
Cardiovascular phenotype. Identifiers: MedGen CN230736.

Allele frequency attached by ClinVar (database versions not stated): gnomAD exomes below 0.00001; ExAC 0.00001.
gnomAD v4.1: 1 of 1,613,066 alleles (0.000062%); highest among the groups gnomAD compares: Non-Finnish European, 0.000085%; no homozygotes.

Submission:

Ambry Genetics
Classification: Uncertain significance for Cardiovascular phenotype. Last evaluated: 2020-01-22. Review status: criteria provided, single submitter. Criteria: Ambry Variant Classification Scheme 2023. Collection method: clinical testing. Allele origin: germline.
Comment: The p.S4546N variant (also known as c.13637G>A), located in coding exon 94 of the RYR2 gene, results from a G to A substitution at nucleotide position 13637. The serine at codon 4546 is replaced by asparagine, an amino acid with highly similar properties. This amino acid position is not well conserved in available vertebrate species, and asparagine is the reference amino acid in other vertebrate species. In addition, this alteration is predicted to be tolerated by in silico analysis. Since supporting evidence is limited at this time, the clinical significance of this alteration remains unclear.